The following is an entry in ClinVar:

NM_018896.5(CACNA1G):c.5364T>G (p.Phe1788Leu)

Gene: CACNA1G (calcium voltage-gated channel subunit alpha1 G; plus strand). Cytogenetic location: 17q21.33.
Variant type: single nucleotide variant.
Coding change: c.5364T>G on transcript NM_018896.5 (MANE Select); coding-DNA position 5364, T replaced by G.
Protein change: p.Phe1788Leu; replaces phenylalanine 1788 with leucine.
Molecular consequence: missense variant. On other transcripts: non-coding transcript variant (5).
Genome position (GRCh38, 1-based): chr17:50,618,280, T>G. VCF-style: chr17-50618280-T-G. GRCh37 (hg19) VCF-style: chr17-48695641-T-G.
Other names: c.5310T>G, p.Phe1770Leu (NM_001256324.2, NM_198386.3); c.5385T>G, p.Phe1795Leu (NM_001256325.2); c.5229T>G, p.Phe1743Leu (NM_001256326.2, NM_001256330.2); c.5343T>G, p.Phe1781Leu (NM_001256327.2); c.5289T>G, p.Phe1763Leu (NM_001256328.2); c.5262T>G, p.Phe1754Leu (NM_001256329.2, NM_198379.3, NM_198387.3 and 2 more transcripts); c.5331T>G, p.Phe1777Leu (NM_198377.3, NM_198378.3, NM_198380.3 and 1 more transcripts); c.5295T>G, p.Phe1765Leu (NM_198382.3, NM_198383.3); and 7 more; short protein forms F1731L, F1736L, F1743L, F1747L, F1750L, F1752L, F1754L, F1761L.
Identifiers: ClinVar variation 4531076 (VCV004531076.1).

ClinVar aggregate classification (germline): Uncertain significance (1 of 4 stars; one submission).

Submission:

GeneDx
Classification: Uncertain significance. Last evaluated: 2025-05-21. Review status: criteria provided, single submitter. Criteria: GeneDx Variant Classification Process June 2021. Collection method: clinical testing. Allele origin: germline. Affected: yes.
Comment: Not observed at significant frequency in large population cohorts (gnomAD); In silico analysis supports that this missense variant has a deleterious effect on protein structure/function; Has not been previously published as pathogenic or benign to our knowledge